The following is an entry in ClinVar:

ClinVar aggregate classification (germline): Likely benign. Review status: criteria provided, single submitter (1 of 4 stars). 2 submissions from 2 submitters: Likely benign (1). 1 of the submissions does not count toward it. Last evaluated 2022-02-25.

Allele frequency attached by ClinVar (database versions not stated): ExAC 0.00002; gnomAD exomes 0.00003; gnomAD 0.00005; TOPMed 0.00009; ESP Exome Variant Server 0.00015.
gnomAD v4.1: 101 of 1,614,034 alleles (0.0063%); highest among the groups gnomAD compares: Non-Finnish European, 0.0073%; no homozygotes.

Submissions (2):

Blueprint Genetics
Classification: Likely benign. Last evaluated: 2022-02-25. Review status: criteria provided, single submitter. Criteria: ACMG Guidelines, 2015. Collection method: clinical testing. Allele origin: germline.

Department of Pathology and Laboratory Medicine, Sinai Health System
Classification: Benign. Review status: no assertion criteria provided. Collection method: clinical testing. Allele origin: unknown. Affected: yes. Study: The Canadian Open Genetics Repository (COGR). Not counted in ClinVar's aggregate classification.
Comment: The KMT2C p.Pro2611Ser variant was not identified in the literature nor was it identified in ClinVar. The variant was identified in dbSNP (ID: rs150673607) and in control databases in 9 of 282754 chromosomes at a frequency of 0.00003183 (Genome Aggregation Database March 6, 2019, v2.1.1). The variant was observed in the following populations: Other in 1 of 7216 chromosomes (freq: 0.000139) and European (non-Finnish) in 8 of 129124 chromosomes (freq: 0.000062), but was not observed in the African, Latino, Ashkenazi Jewish, East Asian, European (Finnish), or South Asian populations. The p.Pro2611 residue is not conserved in mammals and computational analyses (PolyPhen-2, SIFT, AlignGVGD, BLOSUM, MutationTaster) do not suggest a high likelihood of impact to the protein; however, this information is not predictive enough to rule out pathogenicity. The variant occurs outside of the splicing consensus sequence and in silico or computational prediction software programs (SpliceSiteFinder, MaxEntScan, NNSPLICE, GeneSplicer) do not predict a difference in splicing. In summary, based on the above information this variant meets our laboratory's criteria to be classified as benign.

NM_170606.3(KMT2C):c.7831C>T (p.Pro2611Ser)

Gene: KMT2C (lysine methyltransferase 2C; minus strand). Cytogenetic location: 7q36.1.
Variant type: single nucleotide variant.
Coding change: c.7831C>T on transcript NM_170606.3 (MANE Select); coding-DNA position 7831, C replaced by T.
Protein change: p.Pro2611Ser; replaces proline 2611 with serine.
Molecular consequence: missense variant.
Genome position (GRCh38, 1-based): chr7:152,177,622, G>A on the plus strand (C>T on the coding strand, the complement: KMT2C is on the minus strand). VCF-style: chr7-152177622-G-A. GRCh37 (hg19) VCF-style: chr7-151874707-G-A.
Other names: short protein forms P2611S.
Identifiers: ClinVar variation 1049627 (VCV001049627.2), dbSNP rs150673607, ClinGen allele CA4579760.